The following is an entry in ClinVar:

ClinVar aggregate classification (germline): Pathogenic (1 of 4 stars; one submission).

Conditions:
Senior-Loken syndrome 8 (SLSN8). Identifiers: Orphanet 3156, MedGen C4225376, MONDO:0014579, OMIM 616307.
Asphyxiating thoracic dystrophy 5 (SRTD5). Also called: SHORT-RIB THORACIC DYSPLASIA 5 WITHOUT POLYDACTYLY; SHORT-RIB THORACIC DYSPLASIA 5 WITH OR WITHOUT POLYDACTYLY. Identifiers: Orphanet 474, MedGen C3280598, MONDO:0013717, OMIM 614376.

gnomAD v4.1: 4 of 1,608,776 alleles (0.00025%); highest among the groups gnomAD compares: Non-Finnish European, 0.00034%; no homozygotes.

Submission:

Labcorp Genetics (formerly Invitae), Labcorp
Classification: Pathogenic for Senior-Loken syndrome 8; Asphyxiating thoracic dystrophy 5. Last evaluated: 2025-09-02. Review status: criteria provided, single submitter. Criteria: Invitae Variant Classification Sherloc (09022015). Collection method: clinical testing. Allele origin: germline.
Comment: This sequence change creates a premature translational stop signal (p.Gln285*) in the WDR19 gene. It is expected to result in an absent or disrupted protein product. Loss-of-function variants in WDR19 are known to be pathogenic (PMID: 22019273, 23559409, 23683095, 26275793, 27241786, 29068549). This variant is not present in population databases (gnomAD no frequency). This variant has not been reported in the literature in individuals affected with WDR19-related conditions. ClinVar contains an entry for this variant (Variation ID: 3753220). For these reasons, this variant has been classified as Pathogenic.

Literature cited by the submitters: PubMed 22019273; PubMed 23559409; PubMed 23683095; PubMed 26275793; PubMed 27241786; PubMed 29068549.

NM_025132.4(WDR19):c.853C>T (p.Gln285Ter)

Gene: WDR19 (WD repeat domain 19; plus strand). Cytogenetic location: 4p14.
Variant type: single nucleotide variant.
Coding change: c.853C>T on transcript NM_025132.4 (MANE Select); coding-DNA position 853, C replaced by T.
Protein change: p.Gln285Ter; replaces glutamine 285 with a stop codon.
Molecular consequence: nonsense.
Genome position (GRCh38, 1-based): chr4:39,205,699, C>T. VCF-style: chr4-39205699-C-T. GRCh37 (hg19) VCF-style: chr4-39207319-C-T.
Other names: c.373C>T, p.Gln125Ter (NM_001317924.2); short protein forms Q125*, Q285*.
Identifiers: ClinVar variation 3753220 (VCV003753220.2).
Genomic context (GRCh38, chr4:39,205,699, plus strand): 5'-GGTCAAGAGATATTTCAGGCTCGTAACCATAAAGATAATCTAACCAGCATTGCAGTATCA[C>T]AGACTCTTAACAAAGTTGCTACATGTGGAGATAACTGGTAAGTTATTTTCACATATTTTT-3'